The following is an entry in ClinVar:

NM_000179.3(MSH6):c.1994_1995del (p.Glu665fs)

Gene: MSH6 (mutS homolog 6; plus strand). Cytogenetic location: 2p16.3.
Variant type: Microsatellite.
Coding change: c.1994_1995del on transcript NM_000179.3 (MANE Select); coding-DNA positions 1994 to 1995, 2 bases deleted (AG; older notation c.1994_1995delAG).
Protein change: p.Glu665fs; shifts the reading frame from glutamic acid 665.
Molecular consequence: frameshift variant.
Genome position (GRCh38, 1-based): chr2:47,799,977-47,799,978, AG deleted; deleting any 2 consecutive bases within chr2:47,799,975-47,799,978 gives the same sequence; the c. name uses the placement nearest the transcript's 3' end. VCF-style (leftmost placement, unchanged base first): chr2-47799974-CAG-C. GRCh37 (hg19) VCF-style: chr2-48027113-CAG-C.
Other names: c.1604_1605del, p.Glu535fs (NM_001281492.2); c.1088_1089del, p.Glu363fs (NM_001281493.2, NM_001281494.2); c.1994_1995delAG (NM_000179.2); short protein forms E363fs, E535fs, E665fs.
Identifiers: ClinVar variation 428295 (VCV000428295.12), dbSNP rs1114167694, ClinGen allele CA645369264.
Genomic context (GRCh38, chr2:47,799,974, plus strand): 5'-GGGAAAAGCTAAGTGATGGCATTGGGGTGATGTTACCCCAGGTGCTTAAAGGTATGACTT[CAG>C]AGTCTGATTCCATTGGGTTGACACCAGGAGAGAAAAGTGAATTGGCCCTCTCTGCTCTAG-3'

ClinVar aggregate classification (germline): Pathogenic. Review status: criteria provided, multiple submitters, no conflicts (2 of 4 stars). 3 submissions from 3 submitters: Pathogenic (3). Last evaluated 2023-08-16.

Conditions:
Hereditary cancer-predisposing syndrome. Also called: Hereditary Cancer Syndrome; Neoplastic Syndromes, Hereditary; Hereditary neoplastic syndrome; Tumor predisposition. Identifiers: Orphanet 140162, MedGen C0027672, MeSH D009386, MONDO:0015356.
Lynch syndrome 5 (LYNCH5). Also called: Hereditary non-polyposis colorectal cancer, type 5; Colorectal cancer, hereditary nonpolyposis, type 5. Identifiers: Orphanet 144, MedGen C1833477, MONDO:0013710, OMIM 614350. Disease mechanism: loss of function.
Hereditary nonpolyposis colorectal neoplasms. Identifiers: MedGen C0009405, MeSH D003123.

Submissions (3):

Myriad Genetics, Inc.
Classification: Pathogenic for Lynch syndrome 5. Last evaluated: 2023-08-16. Review status: criteria provided, single submitter. Criteria: Myriad Autosomal Dominant, Autosomal Recessive and X-Linked Classification Criteria (2023). Collection method: clinical testing. Allele origin: unknown.
Comment: This variant is considered pathogenic. This variant creates a frameshift predicted to result in premature protein truncation.

Ambry Genetics
Classification: Pathogenic for Hereditary cancer-predisposing syndrome. Last evaluated: 2022-08-01. Review status: criteria provided, single submitter. Criteria: Ambry Variant Classification Scheme 2023. Collection method: clinical testing. Allele origin: germline.
Comment: The c.1994_1995delAG pathogenic mutation, located in coding exon 4 of the MSH6 gene, results from a deletion of two nucleotides at nucleotide positions 1994 to 1995, causing a translational frameshift with a predicted alternate stop codon (p.E665Vfs*2). This variant is considered to be rare based on population cohorts in the Genome Aggregation Database (gnomAD). This alteration is expected to result in loss of function by premature protein truncation or nonsense-mediated mRNA decay. As such, this alteration is interpreted as a disease-causing mutation.

Labcorp Genetics (formerly Invitae), Labcorp
Classification: Pathogenic for Hereditary nonpolyposis colorectal neoplasms. Last evaluated: 2021-07-12. Review status: criteria provided, single submitter. Criteria: Invitae Variant Classification Sherloc (09022015). Collection method: clinical testing. Allele origin: germline.
Comment: This variant is not present in population databases (ExAC no frequency). This variant has not been reported in the literature in individuals affected with MSH6-related conditions. ClinVar contains an entry for this variant (Variation ID: 428295). For these reasons, this variant has been classified as Pathogenic. This sequence change creates a premature translational stop signal (p.Glu665Valfs*2) in the MSH6 gene. It is expected to result in an absent or disrupted protein product. Loss-of-function variants in MSH6 are known to be pathogenic (PMID: 18269114, 24362816).

Literature cited by the submitters: PubMed 18269114 (cited by Labcorp Genetics (formerly Invitae), Labcorp); PubMed 24362816 (cited by Labcorp Genetics (formerly Invitae), Labcorp).